The following is an entry in ClinVar:

NM_000256.3(MYBPC3):c.1457+5G>T

Gene: MYBPC3 (myosin binding protein C3; minus strand). Cytogenetic location: 11p11.2.
Variant type: single nucleotide variant.
Coding change: c.1457+5G>T on transcript NM_000256.3 (MANE Select); 5 bases into the intron after coding-DNA position 1457, G replaced by T.
Molecular consequence: intron variant.
Genome position (GRCh38, 1-based): chr11:47,342,825, C>A on the plus strand (G>T on the coding strand, the complement: MYBPC3 is on the minus strand). VCF-style: chr11-47342825-C-A. GRCh37 (hg19) VCF-style: chr11-47364376-C-A.
Identifiers: ClinVar variation 2625336 (VCV002625336.4), dbSNP rs727503202, ClinGen allele CA2582341867.

ClinVar aggregate classification (germline): Conflicting classifications of pathogenicity. Review status: criteria provided, conflicting classifications (1 of 4 stars). 3 submissions from 3 submitters: Likely pathogenic (2); Uncertain significance (1). Last evaluated 2023-08-24.

Conditions:
Cardiovascular phenotype. Identifiers: MedGen CN230736.

Submissions (3):

Ambry Genetics
Classification: Uncertain significance for Cardiovascular phenotype. Last evaluated: 2023-08-24. Review status: criteria provided, single submitter. Criteria: Ambry Variant Classification Scheme 2023. Collection method: clinical testing. Allele origin: germline.
Comment: The c.1457+5G>T intronic variant results from a G to T substitution 5 nucleotides after coding exon 16 in the MYBPC3 gene. This nucleotide position is highly conserved in available vertebrate species. In silico splice site analysis predicts that this alteration will weaken the native splice donor site; however, direct evidence is unavailable. Since supporting evidence is limited at this time, the clinical significance of this alteration remains unclear.

Molecular Diagnostic Laboratory for Inherited Cardiovascular Disease, Montreal Heart Institute
Classification: Likely pathogenic for Cardiovascular phenotype. Last evaluated: 2023-08-07. Review status: criteria provided, single submitter. Criteria: ACMG Guidelines, 2015. Collection method: clinical testing. Allele origin: germline. Affected: yes.

Clinical Genetics Laboratory, Skane University Hospital Lund
Classification: Likely pathogenic. Last evaluated: 2022-08-23. Review status: criteria provided, single submitter. Criteria: ACMG Guidelines, 2015. Collection method: clinical testing. Allele origin: germline. Affected: yes.